The following is an entry in ClinVar:

NM_022124.6(CDH23):c.551G>A (p.Arg184His)

Gene: CDH23 (cadherin related 23; plus strand). Cytogenetic location: 10q22.1.
Variant type: single nucleotide variant.
Coding change: c.551G>A on transcript NM_022124.6 (MANE Select); coding-DNA position 551, G replaced by A.
Protein change: p.Arg184His; replaces arginine 184 with histidine.
Molecular consequence: missense variant.
Genome position (GRCh38, 1-based): chr10:71,566,863, G>A. VCF-style: chr10-71566863-G-A. GRCh37 (hg19) VCF-style: chr10-73326620-G-A.
Other names: c.551G>A, p.Arg184His (NM_001171930.2, NM_001171931.2, NM_001171932.2 and 1 more transcripts); short protein forms R184H.
Identifiers: ClinVar variation 178294 (VCV000178294.33), dbSNP rs201132251, ClinGen allele CA182056.

ClinVar aggregate classification (germline): Conflicting classifications of pathogenicity. Review status: criteria provided, conflicting classifications (1 of 4 stars). 5 submissions from 5 submitters: Uncertain significance (3); Likely benign (2). Last evaluated 2025-08-01.

Allele frequency attached by ClinVar (database versions not stated): ESP Exome Variant Server 0.00008; ExAC 0.00012; gnomAD exomes 0.00012 and 0.00014; TOPMed 0.00015; 1000 Genomes Project 0.00020; gnomAD 0.00021 and 0.00022; 1000 Genomes Project 30x 0.00031.
gnomAD v4.1: 239 of 1,613,926 alleles (0.015%); highest among the groups gnomAD compares: Non-Finnish European, 0.018%; 2 homozygotes.

Submissions (5):

CeGaT Center for Human Genetics Tuebingen
Classification: Likely benign. Last evaluated: 2025-08-01. Review status: criteria provided, single submitter. Criteria: CeGaT Center For Human Genetics Tuebingen Variant Classification Criteria Version 2. Collection method: clinical testing. Allele origin: germline. Affected: yes. Observed: 3 variant alleles.
Comment: CDH23: BP4

Blueprint Genetics
Classification: Uncertain significance. Last evaluated: 2024-11-15. Review status: criteria provided, single submitter. Criteria: ACMG Guidelines, 2015. Collection method: clinical testing. Allele origin: germline.

GeneDx
Classification: Uncertain significance. Last evaluated: 2024-09-23. Review status: criteria provided, single submitter. Criteria: GeneDx Variant Classification Process June 2021. Collection method: clinical testing. Allele origin: germline. Affected: yes.
Comment: Observed in a cohort of patients with hearing loss in published literature (PMID: 22135276); the authors note this variant is likely neutral and patient level information is not provided; In silico analysis indicates that this missense variant does not alter protein structure/function; This variant is associated with the following publications: (PMID: 22135276)

Labcorp Genetics (formerly Invitae), Labcorp
Classification: Uncertain significance. Last evaluated: 2022-10-24. Review status: criteria provided, single submitter. Criteria: Invitae Variant Classification Sherloc (09022015). Collection method: clinical testing. Allele origin: germline.
Comment: This sequence change replaces arginine, which is basic and polar, with histidine, which is basic and polar, at codon 184 of the CDH23 protein (p.Arg184His). This variant is present in population databases (rs201132251, gnomAD 0.03%). This variant has not been reported in the literature in individuals affected with CDH23-related conditions. ClinVar contains an entry for this variant (Variation ID: 178294). Advanced modeling of protein sequence and biophysical properties (such as structural, functional, and spatial information, amino acid conservation, physicochemical variation, residue mobility, and thermodynamic stability) performed at Invitae indicates that this missense variant is not expected to disrupt CDH23 protein function. In summary, the available evidence is currently insufficient to determine the role of this variant in disease. Therefore, it has been classified as a Variant of Uncertain Significance.

Laboratory for Molecular Medicine, Mass General Brigham Personalized Medicine
Classification: Likely benign. Last evaluated: 2017-08-10. Review status: criteria provided, single submitter. Criteria: LMM Criteria. Collection method: clinical testing. Allele origin: germline. Observed: 3 variant alleles.
Comment: p.Arg184His in Exon 7 of CDH23: This variant is not expected to have clinical s ignificance because the arginine (Arg) residue at position 184 is not conserved through species, with chimpanzee and gorilla having a histidine (His). This var iant was identified in 35/126634 European chromosomes by Genome Aggregation Data base (gnomAD; dbSNP rs201132251), and it was a lso previously reported as unlikely to cause disease (Le Quesne Stabej 2012).

Literature cited by the submitters: PubMed 22135276 (cited by Laboratory for Molecular Medicine, Mass General Brigham Personalized Medicine).